The following is an entry in ClinVar:

ClinVar aggregate classification (germline): Pathogenic (1 of 4 stars; one submission).

Conditions:
DICER1-related tumor predisposition. Also called: DICER1 syndrome; DICER1-related pleuropulmonary blastoma cancer predisposition syndrome. Identifiers: Orphanet 284343, MedGen C3839822, MONDO:0100216.

Submission:

Labcorp Genetics (formerly Invitae), Labcorp
Classification: Pathogenic for DICER1-related tumor predisposition. Last evaluated: 2025-03-02. Review status: criteria provided, single submitter. Criteria: Invitae Variant Classification Sherloc (09022015). Collection method: clinical testing. Allele origin: germline.
Comment: This sequence change creates a premature translational stop signal (p.Thr1173Lysfs*19) in the DICER1 gene. It is expected to result in an absent or disrupted protein product. Loss-of-function variants in DICER1 are known to be pathogenic (PMID: 19556464, 21266384). This variant is not present in population databases (gnomAD no frequency). This variant has not been reported in the literature in individuals affected with DICER1-related conditions. For these reasons, this variant has been classified as Pathogenic.

Literature cited by the submitters: PubMed 19556464; PubMed 21266384.

NM_177438.3(DICER1):c.3518del (p.Thr1173fs)

Gene: DICER1 (dicer 1, ribonuclease III; minus strand). Cytogenetic location: 14q32.13.
Variant type: Deletion.
Coding change: c.3518del on transcript NM_177438.3 (MANE Select); coding-DNA position 3518, one base deleted (C; older notation c.3518delC).
Protein change: p.Thr1173fs; shifts the reading frame from threonine 1173.
Molecular consequence: frameshift variant. On other transcripts: non-coding transcript variant (6).
Genome position (GRCh38, 1-based): chr14:95,103,878, G deleted on the plus strand (C on the coding strand, the reverse complement: DICER1 is on the minus strand). VCF-style (leftmost placement, unchanged base first): chr14-95103877-TG-T. GRCh37 (hg19) VCF-style: chr14-95570214-TG-T.
Other names: c.3518del, p.Thr1173fs (NM_001395680.1, NM_001395682.1, NM_001395683.1 and 12 more transcripts); c.3236del, p.Thr1079fs (NM_001395686.1); c.3113del, p.Thr1038fs (NM_001395687.1, NM_001395688.1, NM_001395689.1 and 2 more transcripts); c.2951del, p.Thr984fs (NM_001395691.1); c.1835del, p.Thr612fs (NM_001395697.1); short protein forms T1173fs, T612fs, T1038fs, T1079fs, T984fs.
Identifiers: ClinVar variation 3724475 (VCV003724475.2).